The following is an entry in ClinVar:

ClinVar aggregate classification (germline): Uncertain significance (1 of 4 stars; one submission).

Submission:

Labcorp Genetics (formerly Invitae), Labcorp
Classification: Uncertain significance. Last evaluated: 2022-05-03. Review status: criteria provided, single submitter. Criteria: Invitae Variant Classification Sherloc (09022015). Collection method: clinical testing. Allele origin: germline.
Comment: This variant is not present in population databases (gnomAD no frequency). This variant has not been reported in the literature in individuals affected with RSPRY1-related conditions. This sequence change replaces threonine, which is neutral and polar, with serine, which is neutral and polar, at codon 427 of the RSPRY1 protein (p.Thr427Ser). In summary, the available evidence is currently insufficient to determine the role of this variant in disease. Therefore, it has been classified as a Variant of Uncertain Significance. Algorithms developed to predict the effect of missense changes on protein structure and function (SIFT, PolyPhen-2, Align-GVGD) all suggest that this variant is likely to be tolerated.

NM_133368.3(RSPRY1):c.1279A>T (p.Thr427Ser)

Gene: RSPRY1 (ring finger and SPRY domain containing 1; plus strand). Cytogenetic location: 16q13.
Variant type: single nucleotide variant.
Coding change: c.1279A>T on transcript NM_133368.3 (MANE Select); coding-DNA position 1279, A replaced by T.
Protein change: p.Thr427Ser; replaces threonine 427 with serine.
Molecular consequence: missense variant.
Genome position (GRCh38, 1-based): chr16:57,230,716, A>T. VCF-style: chr16-57230716-A-T. GRCh37 (hg19) VCF-style: chr16-57264628-A-T.
Other names: c.1279A>T, p.Thr427Ser (NM_001305163.2, NM_001305164.2); short protein forms T427S.
Identifiers: ClinVar variation 1956661 (VCV001956661.5), dbSNP rs2545907216, ClinGen allele CA396019719.
Genomic context (GRCh38, chr16:57,230,716, plus strand): 5'-AAGAATCCTGGTAGTACACATCATTATCCTAACAGTGTTTCTCTTTATCCTCTAGGAGAT[A>T]CAGTAGGATTTCTGTTAGACTTGAATGAAAAGCAAATGATCTTCTTTTTAAATGGCAACC-3'
Protein context (NP_588609.1, residues 417-437): HIHPCWKEGD[Thr427Ser]VGFLLDLNEK